The following is an entry in ClinVar:

ClinVar aggregate classification (germline): Uncertain significance (1 of 4 stars; one submission).

Conditions:
Sponastrime dysplasia. Also called: SPONDYLAR AND NASAL ALTERATIONS WITH STRIATED METAPHYSES. Identifiers: Orphanet 93357, MedGen C1300260, MONDO:0010068, OMIM 271510.

Allele frequency attached by ClinVar (database versions not stated): gnomAD exomes below 0.00001; ExAC 0.00001; gnomAD 0.00001; TOPMed 0.00001.
gnomAD v4.1: 7 of 1,611,726 alleles (0.00043%); highest among the groups gnomAD compares: Non-Finnish European, 0.00059%; no homozygotes.

Submission:

Victorian Clinical Genetics Services, Murdoch Childrens Research Institute
Classification: Uncertain significance for Sponastrime dysplasia. Last evaluated: 2022-02-02. Review status: criteria provided, single submitter. Criteria: ACMG Guidelines, 2015. Collection method: clinical testing. Allele origin: germline. Inheritance: Autosomal recessive inheritance. Affected: yes.
Comment: Based on the classification scheme VCGS_Germline_v1.3.4, this variant is classified as VUS-3B. Following criteria are met: 0102 - Loss of function is a known mechanism of disease in this gene and is associated with spondyloepimetaphyseal dysplasia, sponastrime type (MIM#271510). (I) 0106 - This gene is associated with autosomal recessive disease. (I) 0218 - Non-coding variant without known or predicted effect. (I) 0251 - This variant is heterozygous. (I) 0304 - Variant is present in gnomAD (v3) <0.01 for a recessive condition (2 heterozygotes, 0 homozygotes). (SP) 0506 - Abnormal splicing is not predicted and nucleotide is poorly conserved. (SB) 0705 - No comparable variants have previous evidence for pathogenicity. (I) 0807 - This variant has no previous evidence of pathogenicity. (I) 0905 - No published segregation evidence has been identified for this variant. (I) 1007 - No published functional evidence has been identified for this variant. (I) Legend: (SP) - Supporting pathogenic, (I) - Information, (SB) - Supporting benign

NM_013432.5(TONSL):c.3809+36G>A

Gene: TONSL (tonsoku like, DNA repair protein; minus strand). Cytogenetic location: 8q24.3.
Variant type: single nucleotide variant.
Coding change: c.3809+36G>A on transcript NM_013432.5 (MANE Select); 36 bases into the intron after coding-DNA position 3809, G replaced by A.
Molecular consequence: intron variant.
Genome position (GRCh38, 1-based): chr8:144,431,042, C>T on the plus strand (G>A on the coding strand, the complement: TONSL is on the minus strand). VCF-style: chr8-144431042-C-T. GRCh37 (hg19) VCF-style: chr8-145656425-C-T.
Identifiers: ClinVar variation 1805128 (VCV001805128.1), dbSNP rs782788582, ClinGen allele CA4942372.